The following is an entry in ClinVar:

ClinVar aggregate classification (germline): Likely benign. Review status: criteria provided, multiple submitters, no conflicts (2 of 4 stars). 3 submissions from 3 submitters: Likely benign (2). 1 of the submissions does not count toward it. Last evaluated 2025-11-17.

Conditions:
AXIN2-related disorder.
Oligodontia-cancer predisposition syndrome. Also called: TOOTH AGENESIS-COLORECTAL CANCER SYNDROME. Identifiers: Orphanet 300576, MedGen C1837750, MONDO:0012075, OMIM 608615. Disease mechanism: loss of function.

Submissions (3):

Labcorp Genetics (formerly Invitae), Labcorp
Classification: Likely benign for Oligodontia-cancer predisposition syndrome. Last evaluated: 2025-11-17. Review status: criteria provided, single submitter. Criteria: Invitae Variant Classification Sherloc (09022015). Collection method: clinical testing. Allele origin: germline.

Myriad Genetics, Inc.
Classification: Likely benign for Oligodontia-cancer predisposition syndrome. Last evaluated: 2024-07-11. Review status: criteria provided, single submitter. Criteria: Myriad Autosomal Dominant, Autosomal Recessive and X-Linked Classification Criteria (2023). Collection method: clinical testing. Allele origin: unknown.
Comment: This variant is considered likely benign. This variant is intronic and is not expected to impact mRNA splicing.

PreventionGenetics, part of Exact Sciences
Classification: Likely benign for AXIN2-related condition. Last evaluated: 2019-06-18. Review status: no assertion criteria provided. Collection method: clinical testing. Allele origin: germline. Not counted in ClinVar's aggregate classification.
Comment: This variant is classified as likely benign based on ACMG/AMP sequence variant interpretation guidelines (Richards et al. 2015 PMID: 25741868, with internal and published modifications).

NM_004655.4(AXIN2):c.2406-8C>T

Gene: AXIN2 (axin 2; minus strand). Cytogenetic location: 17q24.1.
Variant type: single nucleotide variant.
Coding change: c.2406-8C>T on transcript NM_004655.4 (MANE Select); 8 bases into the intron before coding-DNA position 2406, C replaced by T.
Molecular consequence: intron variant.
Genome position (GRCh38, 1-based): chr17:65,530,110, G>A on the plus strand (C>T on the coding strand, the complement: AXIN2 is on the minus strand). VCF-style: chr17-65530110-G-A. GRCh37 (hg19) VCF-style: chr17-63526228-G-A.
Other names: c.2211-8C>T (NM_001363813.1); c.2406-8C>T (NM_004655.3).
Identifiers: ClinVar variation 2037577 (VCV002037577.7), dbSNP rs143905290, ClinGen allele CA8718297.